The following is an entry in ClinVar:

ClinVar aggregate classification (germline): Uncertain significance. Review status: criteria provided, multiple submitters, no conflicts (2 of 4 stars). 5 submissions from 5 submitters: Uncertain significance (4). 1 of the submissions does not count toward it. Last evaluated 2025-09-05.

Conditions:
Nemaline myopathy 2 (NEM2). Also called: Nemaline myopathy 2, autosomal recessive. Identifiers: MedGen C1850569, MONDO:0009725, OMIM 256030.

Allele frequency attached by ClinVar (database versions not stated): gnomAD 0.00011 and 0.00012; TOPMed 0.00012; 1000 Genomes Project 0.00020; ESP Exome Variant Server 0.00025; 1000 Genomes Project 30x 0.00031.
gnomAD v4.1: 126 of 1,580,662 alleles (0.008%); highest among the groups gnomAD compares: Non-Finnish European, 0.0098%; no homozygotes.

Submissions (5):

GeneDx
Classification: Uncertain significance. Last evaluated: 2025-09-05. Review status: criteria provided, single submitter. Criteria: GeneDx Variant Classification Process June 2021. Collection method: clinical testing. Allele origin: germline.
Comment: Identified with a second NEB variant, phase unknown, in a newborn with arthrogryposis multiplex congenita; however, the patient carried a variant in another gene thought to explain the phenotype (Ribeiro-Mouro F.,Vilan A. et al. (2021) Journal of Neonatology. 36 (1):63-68); In silico analysis supports that this missense variant has a deleterious effect on protein structure/function; This variant is associated with the following publications: (PMID: Ribeiro-Mourao2021[article])

Blueprint Genetics
Classification: Uncertain significance. Last evaluated: 2024-10-01. Review status: criteria provided, single submitter. Criteria: ACMG Guidelines, 2015. Collection method: clinical testing. Allele origin: germline.

Labcorp Genetics (formerly Invitae), Labcorp
Classification: Uncertain significance for Nemaline myopathy 2. Last evaluated: 2022-08-21. Review status: criteria provided, single submitter. Criteria: Invitae Variant Classification Sherloc (09022015). Collection method: clinical testing. Allele origin: germline.
Comment: This sequence change replaces arginine, which is basic and polar, with cysteine, which is neutral and slightly polar, at codon 3450 of the NEB protein (p.Arg3450Cys). This variant is present in population databases (rs200462308, gnomAD 0.02%). This variant has not been reported in the literature in individuals affected with NEB-related conditions. ClinVar contains an entry for this variant (Variation ID: 645655). Algorithms developed to predict the effect of missense changes on protein structure and function are either unavailable or do not agree on the potential impact of this missense change (SIFT: "Deleterious"; PolyPhen-2: "Not Available"; Align-GVGD: "Class C0"). In summary, the available evidence is currently insufficient to determine the role of this variant in disease. Therefore, it has been classified as a Variant of Uncertain Significance.

Revvity Omics, Revvity
Classification: Uncertain significance. Last evaluated: 2021-07-09. Review status: criteria provided, single submitter. Criteria: ACMG Guidelines, 2015. Collection method: clinical testing. Allele origin: germline.

Natera, Inc.
Classification: Uncertain significance for Nemaline myopathy type 2. Last evaluated: 2020-02-21. Review status: no assertion criteria provided. Collection method: clinical testing. Allele origin: germline. Not counted in ClinVar's aggregate classification.

NM_001164508.2(NEB):c.10348C>T (p.Arg3450Cys)

Gene: NEB (nebulin; minus strand). Cytogenetic location: 2q23.3.
Variant type: single nucleotide variant.
Coding change: c.10348C>T on transcript NM_001164508.2 (MANE Select); coding-DNA position 10348, C replaced by T.
Protein change: p.Arg3450Cys; replaces arginine 3450 with cysteine.
Molecular consequence: missense variant.
Genome position (GRCh38, 1-based): chr2:151,625,638, G>A on the plus strand (C>T on the coding strand, the complement: NEB is on the minus strand). VCF-style: chr2-151625638-G-A. GRCh37 (hg19) VCF-style: chr2-152482152-G-A.
Other names: c.10348C>T, p.Arg3450Cys (NM_001164507.2, NM_001271208.2); c.9619C>T, p.Arg3207Cys (NM_004543.5); short protein forms R3450C, R3207C.
Identifiers: ClinVar variation 645655 (VCV000645655.14), dbSNP rs200462308, ClinGen allele CA1909046.